The following is an entry in ClinVar:

ClinVar aggregate classification (germline): Conflicting classifications of pathogenicity. Review status: criteria provided, conflicting classifications (1 of 4 stars). 7 submissions from 6 submitters: Uncertain significance (3); Likely benign (4). Last evaluated 2026-06-26.

Conditions:
Catecholaminergic polymorphic ventricular tachycardia 1. Also called: RYR2-Related Catecholaminergic Polymorphic Ventricular Tachycardia; VENTRICULAR TACHYCARDIA, STRESS-INDUCED POLYMORPHIC 1; VENTRICULAR TACHYCARDIA, CATECHOLAMINERGIC POLYMORPHIC, 1, WITH OR WITHOUT ATRIAL DYSFUNCTION AND/OR DILATED CARDIOMYOPATHY. Identifiers: Orphanet 3286, MedGen C1631597, MONDO:0011484, OMIM 604772.
Arrhythmogenic right ventricular dysplasia 2. Identifiers: MedGen C1832931.
Catecholaminergic polymorphic ventricular tachycardia (CVPT). Also called: Catecholamine-induced polymorphic ventricular tachycardia. Identifiers: Orphanet 3286, MedGen C5574922, MONDO:0017990.
Cardiomyopathy (CMYO). Also called: Cardiomyopathies. Identifiers: Orphanet 167848, MedGen C0878544, MONDO:0004994, HP:0001638. Inheritance: Various modes of inheritance.
Cardiovascular phenotype. Identifiers: MedGen CN230736.

Allele frequency attached by ClinVar (database versions not stated): ExAC 0.00006; TOPMed 0.00003; gnomAD 0.00003.
gnomAD v4.1: 43 of 1,612,938 alleles (0.0027%); highest among the groups gnomAD compares: Admixed American, 0.02%; no homozygotes.

Submissions (7):

Ambry Genetics
Classification: Uncertain significance for Cardiovascular phenotype. Last evaluated: 2026-06-26. Review status: criteria provided, single submitter. Criteria: Ambry Variant Classification Scheme 2023. Collection method: clinical testing. Allele origin: germline.
Comment: The c.837G>A variant (also known as p.T279T), located in coding exon 11 of the RYR2 gene, results from a G to A substitution at nucleotide position 837. This nucleotide substitution does not change the threonine at codon 279. This nucleotide position is poorly conserved in available vertebrate species. In silico splice site analysis for this alteration is inconclusive. Based on the available evidence, the clinical significance of this variant remains unclear.

Labcorp Genetics (formerly Invitae), Labcorp
Classification: Likely benign for Catecholaminergic polymorphic ventricular tachycardia 1. Last evaluated: 2026-01-27. Review status: criteria provided, single submitter. Criteria: Invitae Variant Classification Sherloc (09022015). Collection method: clinical testing. Allele origin: germline.

Molecular Diagnostic Laboratory for Inherited Cardiovascular Disease, Montreal Heart Institute
Classification: Likely benign. Last evaluated: 2025-04-09. Review status: criteria provided, single submitter. Criteria: ACMG Guidelines, 2015. Collection method: clinical testing. Allele origin: germline. Affected: no.

All of Us Research Program, National Institutes of Health
Classification: Likely benign for Catecholaminergic polymorphic ventricular tachycardia. Last evaluated: 2023-12-01. Review status: criteria provided, single submitter. Criteria: ACMG Guidelines, 2015. Collection method: clinical testing. Allele origin: germline. Inheritance: Autosomal dominant inheritance. Observed: 6 variant alleles, 6 heterozygotes.
Comment: This study involves interpretation of variants in research participants for the purpose of population health screening. Participant phenotype was not available at the time of variant classification. Additional details can be found in publication PMID: 35346344, PMCID: PMC8962531

Color Diagnostics, LLC DBA Color Health
Classification: Likely benign for Cardiomyopathy. Last evaluated: 2018-11-21. Review status: criteria provided, single submitter. Criteria: ACMG Guidelines, 2015. Collection method: clinical testing. Allele origin: germline.

Illumina Laboratory Services, Illumina
Classification: Uncertain significance for Catecholaminergic polymorphic ventricular tachycardia 1. Last evaluated: 2018-01-13. Review status: criteria provided, single submitter. Criteria: ICSL Variant Classification Criteria 13 December 2019. Collection method: clinical testing. Allele origin: germline.

Illumina Laboratory Services, Illumina
Classification: Uncertain significance for Catecholaminergic polymorphic ventricular tachycardia 1. Last evaluated: 2018-01-13. Review status: criteria provided, single submitter. Criteria: ICSL Variant Classification Criteria 13 December 2019. Collection method: clinical testing. Allele origin: germline.

NM_001035.3(RYR2):c.837G>A (p.Thr279=)

Gene: RYR2 (ryanodine receptor 2; plus strand). Cytogenetic location: 1q43.
Variant type: single nucleotide variant.
Coding change: c.837G>A on transcript NM_001035.3 (MANE Select); coding-DNA position 837, G replaced by A.
Protein change: p.Thr279=; no amino-acid change (threonine 279 retained).
Molecular consequence: synonymous variant.
Genome position (GRCh38, 1-based): chr1:237,417,112, G>A. VCF-style: chr1-237417112-G-A. GRCh37 (hg19) VCF-style: chr1-237580412-G-A.
Other names: c.837G>A, p.Thr279= (LRG_402t1).
Identifiers: ClinVar variation 296706 (VCV000296706.55), dbSNP rs769682840, ClinGen allele CA087614.